The following is an entry in ClinVar:

NM_000070.3(CAPN3):c.2115+4T>G

Gene: CAPN3 (calpain 3; plus strand). Cytogenetic location: 15q15.1.
Variant type: single nucleotide variant.
Coding change: c.2115+4T>G on transcript NM_000070.3 (MANE Select); 4 bases into the intron after coding-DNA position 2115, T replaced by G.
Molecular consequence: intron variant.
Genome position (GRCh38, 1-based): chr15:42,409,999, T>G. VCF-style: chr15-42409999-T-G. GRCh37 (hg19) VCF-style: chr15-42702197-T-G.
Other names: c.2097+4T>G (NM_024344.2); c.1839+4T>G (NM_173087.2); c.579+4T>G (NM_173088.2); c.120+4T>G (NM_173090.2, NM_173089.2).
Identifiers: ClinVar variation 423920 (VCV000423920.3), dbSNP rs752436906, ClinGen allele CA7511716.

ClinVar aggregate classification (germline): Uncertain significance. Review status: criteria provided, multiple submitters, no conflicts (2 of 4 stars). 3 submissions from 3 submitters: Uncertain significance (3). Last evaluated 2025-05-16.

Conditions:
Autosomal recessive limb-girdle muscular dystrophy type 2A (LGMDR1). Also called: Limb-girdle muscular dystrophy, type 2A; Calpainopathy; LEYDEN-MOEBIUS MUSCULAR DYSTROPHY; MUSCULAR DYSTROPHY, PELVOFEMORAL; Muscular dystrophy, limb-girdle, type 2A, Amish. Identifiers: Orphanet 267, MedGen C1869123, MONDO:0009675, OMIM 253600. Disease mechanism: loss of function.

Allele frequency attached by ClinVar (database versions not stated): gnomAD exomes below 0.00001; ExAC 0.00001.
gnomAD v4.1: 2 of 1,611,650 alleles (0.00012%); highest among the groups gnomAD compares: South Asian, 0.0022%; no homozygotes.

Submissions (3):

Revvity Omics, Revvity
Classification: Uncertain significance. Last evaluated: 2025-05-16. Review status: criteria provided, single submitter. Criteria: ACMG Guidelines, 2015. Collection method: clinical testing. Allele origin: germline.

3billion
Classification: Uncertain significance for Autosomal recessive limb-girdle muscular dystrophy type 2A. Last evaluated: 2022-01-03. Review status: criteria provided, single submitter. Criteria: ACMG Guidelines, 2015. Collection method: clinical testing. Allele origin: germline. Affected: yes. Observed: 1 heterozygote.
Comment: It is observed at an extremely low frequency in the gnomAD v2.1.1 dataset (total allele frequency: 0.000004, PM2_M). In silico prediction tools predicted that this variant influenced pre-mRNA splicing, resulting in aberrant splicing (SPLICEAI: 0.83, PP3_P). Therefore, this variant is classified as uncertain significance according to the recommendation of ACMG/AMP guideline.

GeneDx
Classification: Uncertain significance. Last evaluated: 2017-03-10. Review status: criteria provided, single submitter. Criteria: GeneDx Variant Classification (06012015). Collection method: clinical testing. Allele origin: germline. Affected: yes.
Comment: The c.2115+4T>G variant in the CAPN3 gene has been reported previously in the homozygous state in a patient with a classic LGMD2A phenotype, however, western blot analysis was not provided and mRNA expression studies were not performed (Nilsson et al., 2014). Splice predictor models are uninformative as the natural splice donor site for intron 19 is too weak to be predicted. In the absence of RNA/functional studies, the actual effect of this sequence change in this individual is unknown. The c.2115+4T>G variant is not observed in large population cohorts (Lek et al., 2016; 1000 Genomes Consortium et al., 2015; Exome Variant Server). We interpret c.2115+4T>G as a variant of uncertain significance.